The following is an entry in ClinVar:

NM_004727.3(SLC24A1):c.2616GGA[5] (p.Glu877dup)

Gene: SLC24A1 (solute carrier family 24 member 1; plus strand). Cytogenetic location: 15q22.31.
Variant type: Microsatellite.
Coding change: c.2616GGA[5] on transcript NM_004727.3 (MANE Select); five copies in a row of the 3-base unit GGA starting at c.2616; the reference has four copies in a row; one copy, 3 bases duplicated.
Protein change: p.Glu877dup; duplicates glutamic acid 877.
Molecular consequence: inframe insertion.
Genome position (GRCh38, 1-based): chr15:65,650,774-65,650,776, GGA duplicated; duplicating any 3 consecutive bases within chr15:65,650,763-65,650,776 gives the same sequence; the position shown is the placement nearest the transcript's 3' end. VCF-style (leftmost placement, unchanged base first): chr15-65650762-A-AGAG. GRCh37 (hg19) VCF-style: chr15-65943100-A-AGAG.
Other names: c.597GGA[5], p.Glu204dup (NM_001254740.2); c.2616GGA[5], p.Glu877dup (NM_001301031.1); c.2562GGA[5], p.Glu859dup (NM_001301032.1, NM_001301033.2).
Identifiers: ClinVar variation 1523234 (VCV001523234.8), dbSNP rs574760946, ClinGen allele CA2580613853.
Genomic context (GRCh38, chr15:65,650,762, plus strand): 5'-AGGGGGAAGTGATGGAGGGGATAGCGAAGAGGAGGAAGAGGAGGAGGAAGAGCAGGAGGA[A>AGAG]GAGGAGGAGGAGGAAGAGCAGGAGGAAGAGGAGGAGGAGGAGGAGGAAGAGGAGGAGAAG-3'

ClinVar aggregate classification (germline): Uncertain significance (1 of 4 stars; one submission).

Submission:

Labcorp Genetics (formerly Invitae), Labcorp
Classification: Uncertain significance. Last evaluated: 2020-10-28. Review status: criteria provided, single submitter. Criteria: Invitae Variant Classification Sherloc (09022015). Collection method: clinical testing. Allele origin: germline.
Comment: In summary, the available evidence is currently insufficient to determine the role of this variant in disease. Therefore, it has been classified as a Variant of Uncertain Significance. This variant, c.2625_2627dup, results in the insertion of 1 amino acid(s) to the SLC24A1 protein (p.Glu877dup), but otherwise preserves the integrity of the reading frame. Experimental studies and prediction algorithms are not available or were not evaluated, and the functional significance of this variant is currently unknown. This variant has not been reported in the literature in individuals with SLC24A1-related conditions. This variant is not present in population databases (ExAC no frequency).